The following is an entry in ClinVar:

ClinVar aggregate classification (germline): Uncertain significance (1 of 4 stars; one submission).

Allele frequency attached by ClinVar (database versions not stated): gnomAD 0.00002; gnomAD exomes 0.00002; TOPMed 0.00003.
gnomAD v4.1: 26 of 1,551,534 alleles (0.0017%); highest among the groups gnomAD compares: Non-Finnish European, 0.0023%; no homozygotes.

Submission:

Labcorp Genetics (formerly Invitae), Labcorp
Classification: Uncertain significance. Last evaluated: 2022-06-27. Review status: criteria provided, single submitter. Criteria: Invitae Variant Classification Sherloc (09022015). Collection method: clinical testing. Allele origin: germline.
Comment: In summary, the available evidence is currently insufficient to determine the role of this variant in disease. Therefore, it has been classified as a Variant of Uncertain Significance. Algorithms developed to predict the effect of missense changes on protein structure and function are either unavailable or do not agree on the potential impact of this missense change (SIFT: "Tolerated"; PolyPhen-2: "Probably Damaging"; Align-GVGD: "Class C0"). ClinVar contains an entry for this variant (Variation ID: 1025960). This variant has not been reported in the literature in individuals affected with SLC24A1-related conditions. This variant is not present in population databases (gnomAD no frequency). This sequence change replaces glycine, which is neutral and non-polar, with arginine, which is basic and polar, at codon 775 of the SLC24A1 protein (p.Gly775Arg).

NM_004727.3(SLC24A1):c.2323G>C (p.Gly775Arg)

Gene: SLC24A1 (solute carrier family 24 member 1; plus strand). Cytogenetic location: 15q22.31.
Variant type: single nucleotide variant.
Coding change: c.2323G>C on transcript NM_004727.3 (MANE Select); coding-DNA position 2323, G replaced by C.
Protein change: p.Gly775Arg; replaces glycine 775 with arginine.
Molecular consequence: missense variant.
Genome position (GRCh38, 1-based): chr15:65,650,472, G>C. VCF-style: chr15-65650472-G-C. GRCh37 (hg19) VCF-style: chr15-65942810-G-C.
Other names: c.304G>C, p.Gly102Arg (NM_001254740.2); c.2323G>C, p.Gly775Arg (NM_001301031.1); c.2269G>C, p.Gly757Arg (NM_001301032.1, NM_001301033.2); short protein forms G102R, G757R, G775R.
Identifiers: ClinVar variation 1025960 (VCV001025960.6), dbSNP rs991898796, ClinGen allele CA271571161.